The following is an entry in ClinVar:

ClinVar aggregate classification (germline): Pathogenic (1 of 4 stars; one submission).

Conditions:
Hereditary cancer-predisposing syndrome. Also called: Tumor predisposition; Hereditary neoplastic syndrome; Neoplastic Syndromes, Hereditary; Hereditary Cancer Syndrome. Identifiers: Orphanet 140162, MedGen C0027672, MeSH D009386, MONDO:0015356.

Submission:

Ambry Genetics
Classification: Pathogenic for Hereditary cancer-predisposing syndrome. Last evaluated: 2023-07-07. Review status: criteria provided, single submitter. Criteria: Ambry Variant Classification Scheme 2023. Collection method: clinical testing. Allele origin: germline.
Comment: The c.1485delC pathogenic mutation, located in coding exon 12 of the MRE11A gene, results from a deletion of one nucleotide at nucleotide position 1485, causing a translational frameshift with a predicted alternate stop codon (p.D495Efs*29). This alteration is expected to result in loss of function by premature protein truncation or nonsense-mediated mRNA decay. As such, this alteration is interpreted as a disease-causing mutation.

NM_005591.4(MRE11):c.1485del (p.Asp495fs)

Gene: MRE11 (MRE11 double strand break repair nuclease; minus strand). Cytogenetic location: 11q21.
Variant type: Deletion.
Coding change: c.1485del on transcript NM_005591.4 (MANE Select); coding-DNA position 1485, one base deleted (C; older notation c.1485delC).
Protein change: p.Asp495fs; shifts the reading frame from aspartic acid 495.
Molecular consequence: frameshift variant.
Genome position (GRCh38, 1-based): chr11:94,459,423, G deleted on the plus strand (C on the coding strand, the reverse complement: MRE11 is on the minus strand). VCF-style (leftmost placement, unchanged base first): chr11-94459422-TG-T. GRCh37 (hg19) VCF-style: chr11-94192588-TG-T.
Other names: c.1485del, p.Asp495fs (NM_001330347.2, NM_005590.4); short protein forms D495fs.
Identifiers: ClinVar variation 819342 (VCV000819342.5), dbSNP rs1591672201, ClinGen allele CA915948781.
Genomic context (GRCh38, chr11:94,459,422, plus strand): 5'-AGACAGACTATTTAAATAGACCTAGACACTCAAATTAGTTACTTACCTCCTCATCGATTT[TG>T]TCTTCGAGGGCATCAATATGACGTTCTTTAAGAAATCGCTGTGTTTTTTCCAACTGGTAT-3'